The following is an entry in ClinVar:

ClinVar aggregate classification (germline): Uncertain significance (1 of 4 stars; one submission).

Conditions:
Cystic fibrosis (CF). Also called: MUCOVISCIDOSIS. Identifiers: Orphanet 586, MedGen C0010674, MONDO:0009061, OMIM 219700. Disease mechanism: loss of function.

Allele frequency attached by ClinVar (database versions not stated): TOPMed 0.00003; 1000 Genomes Project 30x 0.00016; 1000 Genomes Project 0.00020; gnomAD 0.00001; ExAC 0.00005.

Submission:

Ambry Genetics
Classification: Uncertain significance for Cystic fibrosis. Last evaluated: 2023-07-03. Review status: criteria provided, single submitter. Criteria: Ambry Variant Classification Scheme 2023. Collection method: clinical testing. Allele origin: germline.
Comment: The p.R668H variant (also known as c.2003G>A), located in coding exon 14 of the CFTR gene, results from a G to A substitution at nucleotide position 2003. The arginine at codon 668 is replaced by histidine, an amino acid with highly similar properties. This amino acid position is conserved. In addition, the in silico prediction for this alteration is inconclusive. Since supporting evidence is limited at this time, the clinical significance of this alteration remains unclear.

NM_000492.4(CFTR):c.2003G>A (p.Arg668His)

Gene: CFTR (CF transmembrane conductance regulator; plus strand). Cytogenetic location: 7q31.2.
Variant type: single nucleotide variant.
Coding change: c.2003G>A on transcript NM_000492.4 (MANE Select); coding-DNA position 2003, G replaced by A.
Protein change: p.Arg668His; replaces arginine 668 with histidine.
Molecular consequence: missense variant.
Genome position (GRCh38, 1-based): chr7:117,592,170, G>A. VCF-style: chr7-117592170-G-A. GRCh37 (hg19) VCF-style: chr7-117232224-G-A.
Other names: short protein forms R668H.
Identifiers: ClinVar variation 1784288 (VCV001784288.3), dbSNP rs199623561, ClinGen allele CA4451125.